The following is an entry in ClinVar:

ClinVar aggregate classification (germline): Uncertain significance (1 of 4 stars; one submission).

Allele frequency attached by ClinVar (database versions not stated): gnomAD exomes below 0.00001; ExAC 0.00001; gnomAD 0.00001; TOPMed 0.00002.
gnomAD v4.1: 4 of 1,613,560 alleles (0.00025%); highest among the groups gnomAD compares: East Asian, 0.0067%; no homozygotes.

Submission:

Labcorp Genetics (formerly Invitae), Labcorp
Classification: Uncertain significance. Last evaluated: 2022-04-24. Review status: criteria provided, single submitter. Criteria: Invitae Variant Classification Sherloc (09022015). Collection method: clinical testing. Allele origin: germline.
Comment: In summary, the available evidence is currently insufficient to determine the role of this variant in disease. Therefore, it has been classified as a Variant of Uncertain Significance. Variants that disrupt the consensus splice site are a relatively common cause of aberrant splicing (PMID: 17576681, 9536098). Algorithms developed to predict the effect of sequence changes on RNA splicing suggest that this variant is not likely to affect RNA splicing. This variant has not been reported in the literature in individuals affected with RPS29-related conditions. This variant is present in population databases (rs757785401, gnomAD 0.02%). This sequence change falls in intron 1 of the RPS29 gene. It does not directly change the encoded amino acid sequence of the RPS29 protein. It affects a nucleotide within the consensus splice site.

Literature cited by the submitters: PubMed 17576681; PubMed 9536098.

NM_001032.5(RPS29):c.62+3G>A

Gene: RPS29 (ribosomal protein S29; minus strand). Cytogenetic location: 14q21.3.
Variant type: single nucleotide variant.
Coding change: c.62+3G>A on transcript NM_001032.5 (MANE Select); 3 bases into the intron after coding-DNA position 62, G replaced by A.
Molecular consequence: intron variant.
Genome position (GRCh38, 1-based): chr14:49,586,282, C>T on the plus strand (G>A on the coding strand, the complement: RPS29 is on the minus strand). VCF-style: chr14-49586282-C-T. GRCh37 (hg19) VCF-style: chr14-50053000-C-T.
Other names: c.62+3G>A (NM_001030001.4); c.54-233G>A (NM_001351375.2).
Identifiers: ClinVar variation 2418290 (VCV002418290.6), dbSNP rs757785401, ClinGen allele CA7171944.